The following is an entry in ClinVar:

NM_002872.5(RAC2):c.317C>G (p.Pro106Arg)

Gene: RAC2 (Rac family small GTPase 2; minus strand). Cytogenetic location: 22q13.1.
Variant type: single nucleotide variant.
Coding change: c.317C>G on transcript NM_002872.5 (MANE Select); coding-DNA position 317, C replaced by G.
Protein change: p.Pro106Arg; replaces proline 106 with arginine.
Molecular consequence: missense variant.
Genome position (GRCh38, 1-based): chr22:37,231,362, G>C on the plus strand (C>G on the coding strand, the complement: RAC2 is on the minus strand). VCF-style: chr22-37231362-G-C. GRCh37 (hg19) VCF-style: chr22-37627402-G-C.
Other names: short protein forms P106R.
Identifiers: ClinVar variation 2005092 (VCV002005092.4), dbSNP rs140997946, ClinGen allele CA411443076.
Genomic context (GRCh38, chr22:37,231,362, plus strand): 5'-ATGGTGTCCTTGTCGTCCCGCAGGTCCAGCTTGGTGCCCACCAGGATGATGGGTGTGCTG[G>C]GGCAGTGGTGCCGCACTTCTGGGAACCACTGGGCAGGTGGGTGGGGGGACACAAGGTTGT-3'
Protein context (NP_002863.1, residues 96-116): KWFPEVRHHC[Pro106Arg]STPIILVGTK

ClinVar aggregate classification (germline): Uncertain significance (1 of 4 stars; one submission).

Conditions:
Neutrophil immunodeficiency syndrome. Also called: Immunodeficiency 73A with defective neutrophil chemotaxis and leukocytosis. Identifiers: Orphanet 183707, MedGen C1842398, MONDO:0011988, OMIM 608203.

Submission:

Labcorp Genetics (formerly Invitae), Labcorp
Classification: Uncertain significance for Neutrophil immunodeficiency syndrome. Last evaluated: 2022-07-03. Review status: criteria provided, single submitter. Criteria: Invitae Variant Classification Sherloc (09022015). Collection method: clinical testing. Allele origin: germline.
Comment: This variant has not been reported in the literature in individuals affected with RAC2-related conditions. This variant is not present in population databases (gnomAD no frequency). This sequence change replaces proline, which is neutral and non-polar, with arginine, which is basic and polar, at codon 106 of the RAC2 protein (p.Pro106Arg). In summary, the available evidence is currently insufficient to determine the role of this variant in disease. Therefore, it has been classified as a Variant of Uncertain Significance. Advanced modeling of protein sequence and biophysical properties (such as structural, functional, and spatial information, amino acid conservation, physicochemical variation, residue mobility, and thermodynamic stability) performed at Invitae indicates that this missense variant is expected to disrupt RAC2 protein function.